The following is an entry in ClinVar:

ClinVar aggregate classification (germline): Uncertain significance (1 of 4 stars; one submission).

gnomAD v4.1: 19 of 1,614,072 alleles (0.0012%); highest among the groups gnomAD compares: Admixed American, 0.03%; no homozygotes.

Submission:

Labcorp Genetics (formerly Invitae), Labcorp
Classification: Uncertain significance. Last evaluated: 2024-09-29. Review status: criteria provided, single submitter. Criteria: Invitae Variant Classification Sherloc (09022015). Collection method: clinical testing. Allele origin: germline.
Comment: This sequence change replaces asparagine, which is neutral and polar, with lysine, which is basic and polar, at codon 2097 of the FBN3 protein (p.Asn2097Lys). This variant is present in population databases (rs149893915, gnomAD 0.04%). This variant has not been reported in the literature in individuals affected with FBN3-related conditions. ClinVar contains an entry for this variant (Variation ID: 2052651). Invitae Evidence Modeling of protein sequence and biophysical properties (such as structural, functional, and spatial information, amino acid conservation, physicochemical variation, residue mobility, and thermodynamic stability) indicates that this missense variant is not expected to disrupt FBN3 protein function with a negative predictive value of 80%. In summary, the available evidence is currently insufficient to determine the role of this variant in disease. Therefore, it has been classified as a Variant of Uncertain Significance.

NM_032447.5(FBN3):c.6291C>A (p.Asn2097Lys)

Gene: FBN3 (fibrillin 3; minus strand). Cytogenetic location: 19p13.2.
Variant type: single nucleotide variant.
Coding change: c.6291C>A on transcript NM_032447.5 (MANE Select); coding-DNA position 6291, C replaced by A.
Protein change: p.Asn2097Lys; replaces asparagine 2097 with lysine.
Molecular consequence: missense variant.
Genome position (GRCh38, 1-based): chr19:8,089,630, G>T on the plus strand (C>A on the coding strand, the complement: FBN3 is on the minus strand). VCF-style: chr19-8089630-G-T. GRCh37 (hg19) VCF-style: chr19-8154514-G-T.
Other names: c.6291C>A, p.Asn2097Lys (NM_001321431.2); short protein forms N2097K.
Identifiers: ClinVar variation 2052651 (VCV002052651.4), dbSNP rs149893915, ClinGen allele CA9151337.
Genomic context (GRCh38, chr19:8,089,630, plus strand): 5'-CAGGCTGTAGCCAAAGGGACACTCACAGCGGAAGGATCCATCGGTGTTGACACAGACGCC[G>T]TTAGTGCAGACGCCAGGGTTCTCTGCACACTCATTCACGTCTGCGGATGGCAGGCGTTGC-3'
Protein context (NP_115823.3, residues 2087-2107): ECAENPGVCT[Asn2097Lys]GVCVNTDGSF